The following is an entry in ClinVar:

NM_001367624.2(ZNF469):c.8890G>A (p.Glu2964Lys)

Gene: ZNF469 (zinc finger protein 469; plus strand). Cytogenetic location: 16q24.2.
Variant type: single nucleotide variant.
Coding change: c.8890G>A on transcript NM_001367624.2 (MANE Select); coding-DNA position 8890, G replaced by A.
Protein change: p.Glu2964Lys; replaces glutamic acid 2964 with lysine.
Molecular consequence: missense variant.
Genome position (GRCh38, 1-based): chr16:88,436,360, G>A. VCF-style: chr16-88436360-G-A. GRCh37 (hg19) VCF-style: chr16-88502768-G-A.
Other names: NM_001127464.1:c.8806G>A; short protein forms E2964K.
Identifiers: ClinVar variation 1699653 (VCV001699653.3), dbSNP rs1249545666, ClinGen allele CA397119642.
Genomic context (GRCh38, chr16:88,436,360, plus strand): 5'-CTCAATAGCAGGGTGCCTGGCATTGACCCCTGGGCCCCCGGCCTCAGCCTGTGGGCCCTG[G>A]AGCCCAGCAGGGAAGCTGGTGCAGAGAAGCTGCCCTCCCACTGCCCCGAGGACGATCGGC-3'
Protein context (NP_001354553.1, residues 2954-2974): WAPGLSLWAL[Glu2964Lys]PSREAGAEKL

ClinVar aggregate classification (germline): Uncertain significance. Review status: criteria provided, multiple submitters, no conflicts (2 of 4 stars). 2 submissions from 2 submitters: Uncertain significance (2). Last evaluated 2026-07-26.

Conditions:
Cardiovascular phenotype. Identifiers: MedGen CN230736.

Allele frequency attached by ClinVar (database versions not stated): TOPMed below 0.00001; gnomAD 0.00001; gnomAD exomes 0.00001.
gnomAD v4.1: 19 of 1,549,976 alleles (0.0012%); highest among the groups gnomAD compares: Non-Finnish European, 0.0016%; no homozygotes.

Submissions (2):

Ambry Genetics
Classification: Uncertain significance for Cardiovascular phenotype. Last evaluated: 2026-07-26. Review status: criteria provided, single submitter. Criteria: Ambry Variant Classification Scheme 2023. Collection method: clinical testing. Allele origin: germline.
Comment: The p.E2936K variant (also known as c.8806G>A), located in coding exon 2 of the ZNF469 gene, results from a G to A substitution at nucleotide position 8806. The glutamic acid at codon 2936 is replaced by lysine, an amino acid with similar properties. This amino acid position is conserved. In addition, this alteration is predicted to be tolerated by in silico analysis. Based on the available evidence, the clinical significance of this variant remains unclear.

GeneDx
Classification: Uncertain significance. Last evaluated: 2022-01-26. Review status: criteria provided, single submitter. Criteria: GeneDx Variant Classification Process June 2021. Collection method: clinical testing. Allele origin: germline. Affected: yes.
Comment: Has not been previously published as pathogenic or benign to our knowledge; Not observed at significant frequency in large population cohorts (gnomAD); In silico analysis supports that this missense variant does not alter protein structure/function